The following is an entry in ClinVar:

NM_053025.4(MYLK):c.4683G>C (p.Glu1561Asp)

Gene: MYLK (myosin light chain kinase; minus strand). Cytogenetic location: 3q21.1.
Variant type: single nucleotide variant.
Coding change: c.4683G>C on transcript NM_053025.4 (MANE Select); coding-DNA position 4683, G replaced by C.
Protein change: p.Glu1561Asp; replaces glutamic acid 1561 with aspartic acid.
Molecular consequence: missense variant.
Genome position (GRCh38, 1-based): chr3:123,640,441, C>G on the plus strand (G>C on the coding strand, the complement: MYLK is on the minus strand). VCF-style: chr3-123640441-C-G. GRCh37 (hg19) VCF-style: chr3-123359288-C-G.
Other names: c.4155G>C, p.Glu1385Asp (NM_001321309.2); c.4476G>C, p.Glu1492Asp (NM_053026.4, NM_053028.4); c.4683G>C, p.Glu1561Asp (NM_053027.4); short protein forms E1492D, E1561D, E1385D.
Identifiers: ClinVar variation 3662655 (VCV003662655.2).

ClinVar aggregate classification (germline): Uncertain significance (1 of 4 stars; one submission).

Conditions:
Aortic aneurysm, familial thoracic 7 (AAT7). Also called: AORTIC DISSECTION, FAMILIAL, WITH OR WITHOUT AORTIC ANEURYSM. Identifiers: MedGen C3151077, MONDO:0013418, OMIM 613780.

Submission:

Labcorp Genetics (formerly Invitae), Labcorp
Classification: Uncertain significance for Aortic aneurysm, familial thoracic 7. Last evaluated: 2024-08-27. Review status: criteria provided, single submitter. Criteria: Invitae Variant Classification Sherloc (09022015). Collection method: clinical testing. Allele origin: germline.
Comment: This sequence change replaces glutamic acid, which is acidic and polar, with aspartic acid, which is acidic and polar, at codon 1561 of the MYLK protein (p.Glu1561Asp). This variant is not present in population databases (gnomAD no frequency). This variant has not been reported in the literature in individuals affected with MYLK-related conditions. Invitae Evidence Modeling of protein sequence and biophysical properties (such as structural, functional, and spatial information, amino acid conservation, physicochemical variation, residue mobility, and thermodynamic stability) has been performed for this missense variant. However, the output from this modeling did not meet the statistical confidence thresholds required to predict the impact of this variant on MYLK protein function. In summary, the available evidence is currently insufficient to determine the role of this variant in disease. Therefore, it has been classified as a Variant of Uncertain Significance.